The following is an entry in ClinVar:

NC_012920.1(MT-TR):m.10454T>C

Gene: MT-TR (mitochondrially encoded tRNA arginine; plus strand).
Variant type: single nucleotide variant.
Genome position: chrM-10454-T-C.
Identifiers: ClinVar variation 690122 (VCV000690122.1), dbSNP rs878874133, ClinGen allele CA337098838.

ClinVar aggregate classification (germline): Benign (1 of 4 stars; one submission).

Conditions:
MELAS syndrome (MELAS). Also called: Juvenile myopathy, encephalopathy, lactic acidosis, stroke. Identifiers: Orphanet 550, MedGen C0162671, MONDO:0010789, OMIM 540000.

Submission:

Wong Mito Lab, Molecular and Human Genetics, Baylor College of Medicine
Classification: Benign for MELAS syndrome. Last evaluated: 2019-07-12. Review status: criteria provided, single submitter. Criteria: Modified ACMG Guidelines (Unpublished). Collection method: clinical testing. Allele origin: germline.
Comment: The NC_012920.1:m.10454T>C variant in MT-TR gene is interpreted to be a Benign variant based on the modified ACMG guidelines (unpublished). This variant meets the following evidence codes reported in the guidelines: BS1, BS2, BP4

Literature cited by the submitters: PubMed 31965079.